The following is an entry in ClinVar:

NM_001009944.3(PKD1):c.8439C>T (p.Ser2813=)

Gene: PKD1 (polycystin 1, transient receptor potential channel interacting; minus strand). Cytogenetic location: 16p13.3.
Variant type: single nucleotide variant.
Coding change: c.8439C>T on transcript NM_001009944.3 (MANE Select); coding-DNA position 8439, C replaced by T.
Protein change: p.Ser2813=; no amino-acid change (serine 2813 retained).
Molecular consequence: synonymous variant.
Genome position (GRCh38, 1-based): chr16:2,103,618, G>A on the plus strand (C>T on the coding strand, the complement: PKD1 is on the minus strand). VCF-style: chr16-2103618-G-A. GRCh37 (hg19) VCF-style: chr16-2153619-G-A.
Other names: p.Ser2813=; c.8439C>T, p.Ser2813= (NM_000296.4).
Identifiers: ClinVar variation 257020 (VCV000257020.50), dbSNP rs117856830, ClinGen allele CA7830520.
Genomic context (GRCh38, chr16:2,103,618, plus strand): 5'-GGGATTGGAGTCCACCAGAAAGATGAGCTGCACCACGTCACTGAGGTTGGCCAGGGCCCC[G>A]CTGAAAGCCTCGGGGATGGAGAAGTGGCAGCCAGGCCCTGGGGCGCCGCCATAGCACAGC-3'
Protein context (NP_001009944.3, residues 2803-2823): GCHFSIPEAF[Ser2813=]GALANLSDVV

ClinVar aggregate classification (germline): Benign/Likely benign. Review status: criteria provided, multiple submitters, no conflicts (2 of 4 stars). 12 submissions from 12 submitters: Benign (6); Likely benign (3). 3 of the submissions do not count toward it. Last evaluated 2026-07-01.

Conditions:
Polycystic kidney disease, adult type (PKD1). Also called: POLYCYSTIC KIDNEY DISEASE, ADULT, TYPE I; Polycystic Kidney, Autosomal Dominant; Polycystic Kidney Disease 1, Autosomal Dominant; Polycystic kidney disease 1; Polycystic kidney disease 1, severe; POLYCYSTIC KIDNEY DISEASE 1 WITH OR WITHOUT POLYCYSTIC LIVER DISEASE. Identifiers: MedGen C3149841, MONDO:0008263, OMIM 173900.
Polycystic kidney disease. Also called: Kidney, Polycystic; Polycystic kidney dysplasia. Identifiers: MedGen C0022680, MeSH D007690, MONDO:0020642, HP:0000113.

Allele frequency attached by ClinVar (database versions not stated): 1000 Genomes Project 30x 0.00390; 1000 Genomes Project 0.00419; ExAC 0.00477; gnomAD exomes 0.00481 and 0.00833; gnomAD 0.00495 and 0.00507; TOPMed 0.00496; ESP Exome Variant Server 0.00571.
gnomAD v4.1: 12,907 of 1,610,454 alleles (0.8%); highest among the groups gnomAD compares: Non-Finnish European, 1%; 63 homozygotes.

Submissions (12):

CeGaT Center for Human Genetics Tuebingen
Classification: Likely benign. Last evaluated: 2026-07-01. Review status: criteria provided, single submitter. Criteria: CeGaT Center For Human Genetics Tuebingen Variant Classification Criteria Version 2. Collection method: clinical testing. Allele origin: germline. Affected: yes. Observed: 14 variant alleles.
Comment: PKD1: BP4, BP7, BS2

Women's Health and Genetics/Laboratory Corporation of America, LabCorp
Classification: Benign. Last evaluated: 2025-04-25. Review status: criteria provided, single submitter. Criteria: LabCorp Variant Classification Summary - May 2015. Collection method: clinical testing. Allele origin: germline.

Blueprint Genetics
Classification: Benign. Last evaluated: 2024-11-27. Review status: criteria provided, single submitter. Criteria: ACMG Guidelines, 2015. Collection method: clinical testing. Allele origin: germline.

Mayo Clinic Laboratories, Mayo Clinic
Classification: Benign. Last evaluated: 2023-12-21. Review status: criteria provided, single submitter. Criteria: ACMG Guidelines, 2015. Collection method: clinical testing. Allele origin: germline. Observed: 8 variant alleles.
Comment: BA1, BP4, BP7

GeneDx
Classification: Likely benign. Last evaluated: 2021-01-07. Review status: criteria provided, single submitter. Criteria: GeneDx Variant Classification Process June 2021. Collection method: clinical testing. Allele origin: germline. Affected: yes.
Comment: This variant is associated with the following publications: (PMID: 11216660, 11115377, 17574468, 18837007, 22383692, 24374109)

ARUP Laboratories, Molecular Genetics and Genomics, ARUP Laboratories
Classification: Benign for Polycystic kidney disease, adult type. Last evaluated: 2018-09-25. Review status: criteria provided, single submitter. Criteria: ARUP Molecular Germline Variant Investigation Process. Collection method: clinical testing. Allele origin: germline.

Athena Diagnostics
Classification: Benign. Last evaluated: 2018-08-03. Review status: criteria provided, single submitter. Criteria: Athena Diagnostics Criteria. Collection method: clinical testing. Allele origin: germline.

Breakthrough Genomics
Classification: Likely benign. Review status: criteria provided, single submitter. Criteria: ACMG Guidelines, 2015. Collection method: not provided. Allele origin: germline. Inheritance: Autosomal dominant inheritance. Affected: yes.

PreventionGenetics, part of Exact Sciences
Classification: Benign. Review status: criteria provided, single submitter. Criteria: ACMG Guidelines, 2015. Collection method: clinical testing. Allele origin: germline.

Department of Pathology and Laboratory Medicine, Sinai Health System
Classification: Benign for Polycystic Kidney disease. Review status: no assertion criteria provided. Collection method: clinical testing. Allele origin: unknown. Affected: yes. Study: The Canadian Open Genetics Repository (COGR). Not counted in ClinVar's aggregate classification.
Comment: The PKD1, p.Ser2813Ser variant was identified in 11 of 1112 proband chromosomes (frequency: 0.01) from individuals or families with ADPKD (Afzal 2000, Garcia-Gonzalez 2007, Rossetti 2001, Rossetti 2012, Rossett 2001, Tan 2009). The variant was also identified in dbSNP (ID: rs117856830) as â€šÃ„ÃºN/Aâ€šÃ„Ã¹ and the ADPKD Mutation Database (as likely neutral). This variant was identified in the 1000 Genomes Project in 21 of 5000 chromosomes (frequency: 0.004), the NHLBI GO Exome Sequencing Project in 71 of 8570 European American and in 3 of 4380 African American alleles, the Exome Aggregation Consortium database (August 8, 2016) in 562 (1 homozygous) of 117700 chromosomes (freq. 0.005) in the following populations: European in 474 of 63998 chromosomes (freq. 0.007), Finnish in 26 of 6610 chromosomes (freq.0.004), Latino in 26 of 11522 chromosomes (freq. 0.002), South Asian in 17 of 16500 chromosomes (0.003), African in 12 of 9608 chromosomes (freq. 0.001), Other in 7 of 880 chromosomes (freq. 0.008), although this low number of observations and low frequency is not substantive enough to determine the prevalence of the variant in the general population and its relationship to disease. In addition we cannot be certain that data from control databases is specific to PKD1 and not from one of the six PKD1 pseudogenes. The p.Ser2813Ser variant is not expected to have clinical significance because it does not result in a change of amino acid and is not located in a known consensus splice site. The variant occurs outside of the splicing consensus sequence and 2 of 5 in silico or computational prediction software programs (SpliceSiteFinder, MaxEntScan, NNSPLICE, GeneSplicer, HumanSpliceFinder) predict a greater than 10% difference in splicing; this is not very predictive of pathogenicity. In addition, the variant is classified as a polymorphism by number of population and statistics studies (Afzal 2000, Garcia-Gonzalez 2007, Rossetti 2001, Rossetti 2012, Rossett 2001). In summary, based on the above information, this variant meets our laboratory criteria to be classified as benign.

Genome Diagnostics Laboratory, University Medical Center Utrecht
Classification: Benign. Review status: no assertion criteria provided. Collection method: clinical testing. Allele origin: germline. Affected: yes. Study: VKGL Data-share Consensus. Not counted in ClinVar's aggregate classification.

Laboratory of Diagnostic Genome Analysis, Leiden University Medical Center (LUMC)
Classification: Benign. Review status: no assertion criteria provided. Collection method: clinical testing. Allele origin: germline. Affected: yes. Study: VKGL Data-share Consensus. Not counted in ClinVar's aggregate classification.

Literature cited by the submitters: PubMed 18837007 (cited by Athena Diagnostics); PubMed 11115377 (cited by Athena Diagnostics); PubMed 17574468 (cited by Athena Diagnostics); PubMed 11216660 (cited by Athena Diagnostics); PubMed 22383692 (cited by Athena Diagnostics); PubMed 24374109 (cited by Athena Diagnostics).